The following is an entry in ClinVar:

ClinVar aggregate classification (germline): Uncertain significance (1 of 4 stars; one submission).

Conditions:
Familial colorectal cancer. Identifiers: MedGen CN280943, MONDO:0023113. Disease mechanism: loss of function.

Submission:

Labcorp Genetics (formerly Invitae), Labcorp
Classification: Uncertain significance for Familial colorectal cancer. Last evaluated: 2023-01-24. Review status: criteria provided, single submitter. Criteria: Invitae Variant Classification Sherloc (09022015). Collection method: clinical testing. Allele origin: unknown.
Comment: In summary, the available evidence is currently insufficient to determine the role of this variant in disease. Therefore, it has been classified as a Variant of Uncertain Significance. Two different tandem duplications (40 kb and 16 kb) spanning the 3' end of the SCG5 gene and the region upstream of the GREM1 gene have been reported in families with hereditary mixed polyposis syndrome (PMID: 22561515, 25992589, 26493165). However, the gain identified in this individual is different from those variants, and therefore the impact of the additional duplicated sequences on GREM1 expression and function has not been established. This variant results in a copy number gain of the genomic region encompassing the promoter of the GREM1 gene. The precise boundaries of this event are unknown.

Literature cited by the submitters: PubMed 22561515; PubMed 25992589; PubMed 26493165.

NC_000015.9:g.(?_32964889)_(33360085_?)dup

Genes: GREM1 (gremlin 1, DAN family BMP antagonist; plus strand), SCG5 (secretogranin V; plus strand). Cytogenetic location: 15q13.3.
Variant type: Duplication.
Identifiers: ClinVar variation 3243826 (VCV003243826.1).